The following is an entry in ClinVar:

ClinVar aggregate classification (germline): Benign. Review status: criteria provided, multiple submitters, no conflicts (2 of 4 stars). 2 submissions from 2 submitters: Benign (2). Last evaluated 2026-01-29.

Conditions:
Primary ciliary dyskinesia. Also called: Ciliary dyskinesia. Identifiers: Orphanet 244, MedGen C0008780, MONDO:0016575, HP:0012265.

Allele frequency attached by ClinVar (database versions not stated): gnomAD exomes 0.00504 and 0.00271; ExAC 0.00546; gnomAD 0.01287 and 0.01368; 1000 Genomes Project 0.01298; 1000 Genomes Project 30x 0.01390; ESP Exome Variant Server 0.01415; TOPMed 0.01520.
gnomAD v4.1: 6,159 of 1,612,086 alleles (0.38%); highest among the groups gnomAD compares: African/African-American, 3.8%; 89 homozygotes.

Submissions (2):

Labcorp Genetics (formerly Invitae), Labcorp
Classification: Benign for Primary ciliary dyskinesia. Last evaluated: 2026-01-29. Review status: criteria provided, single submitter. Criteria: Invitae Variant Classification Sherloc (09022015). Collection method: clinical testing. Allele origin: germline.

Mayo Clinic Laboratories, Mayo Clinic
Classification: Benign. Last evaluated: 2023-11-09. Review status: criteria provided, single submitter. Criteria: ACMG Guidelines, 2015. Collection method: clinical testing. Allele origin: germline. Observed: 2 variant alleles.
Comment: BS1, BS2, BP4, BP7

NM_001206927.2(DNAH8):c.11361A>G (p.Pro3787=)

Genes: DNAH8 (dynein axonemal heavy chain 8; plus strand), DNAH8-AS1 (DNAH8 antisense RNA 1; minus strand). Cytogenetic location: 6p21.2.
Variant type: single nucleotide variant.
Coding change: c.11361A>G on transcript NM_001206927.2 (MANE Select); coding-DNA position 11361, A replaced by G.
Protein change: p.Pro3787=; no amino-acid change (proline 3787 retained).
Molecular consequence: synonymous variant.
Genome position (GRCh38, 1-based): chr6:38,931,897, A>G. VCF-style: chr6-38931897-A-G. GRCh37 (hg19) VCF-style: chr6-38899673-A-G.
Other names: p.Pro3787=; c.10710A>G, p.Pro3570= (NM_001371.4).
Identifiers: ClinVar variation 414421 (VCV000414421.13), dbSNP rs111791517, ClinGen allele CA3791025.